The following is an entry in ClinVar:

NM_001378743.1(CYLD):c.2241+5G>A

Genes: CYLD (CYLD lysine 63 deubiquitinase; plus strand), CYLD-AS2 (CYLD antisense RNA 2; minus strand). Cytogenetic location: 16q12.1.
Variant type: single nucleotide variant.
Coding change: c.2241+5G>A on transcript NM_001378743.1 (MANE Select); 5 bases into the intron after coding-DNA position 2241, G replaced by A.
Molecular consequence: intron variant.
Genome position (GRCh38, 1-based): chr16:50,791,695, G>A. VCF-style: chr16-50791695-G-A. GRCh37 (hg19) VCF-style: chr16-50825606-G-A.
Other names: c.2241+5G>A (NM_015247.3); c.2232+5G>A (NM_001378745.1, NM_001378744.1, NM_001042355.2 and 6 more transcripts); c.2202+5G>A (NM_001378753.1, NM_001378751.1, NM_001378752.1); c.1566+5G>A (NM_001378754.1, NM_001378755.1).
Identifiers: ClinVar variation 978671 (VCV000978671.3), dbSNP rs1971445448, ClinGen allele CA1139664687.

ClinVar aggregate classification (germline): Pathogenic (1 of 4 stars; one submission).

Conditions:
Familial cylindromatosis. Also called: Turban tumor syndrome; ANCELL-SPIEGLER CYLINDROMAS. Identifiers: Orphanet 211, Orphanet 79493, MedGen C1851526, MONDO:0007565, OMIM 132700.

Submission:

Oncogenetique constitutionnelle, Hopital Bichat
Classification: Pathogenic for Familial cylindromatosis. Last evaluated: 2020-06-01. Review status: criteria provided, single submitter. Criteria: ACMG Guidelines, 2015. Collection method: clinical testing. Allele origin: germline. Inheritance: Autosomal dominant inheritance. Affected: yes. Observed: 8 variant alleles, 8 heterozygotes. Clinical features observed: Subcutaneous nodule (HP:0001482).
Comment: The c.2241+5G>A mutation in intron 16 of the CYLD gene has been reported in two unrelated families with familial cylindromatosis. This mutation induces a deletion of exon 16 in the CYLD gene. Two different phenotypes were observed : familial multiple trichoepithelioma (OMIM 601606) in one family (6 patients including the proband) and in the other, Brooke-Spiegler syndrome (OMIM 605041) with two patients including the proband. This result highlights the lack of genotype/phenoytpe correlation already described in the pathologies linked to the CYLD.